The following is an entry in ClinVar:

NM_001130144.3(LTBP3):c.1721-7C>G

Gene: LTBP3 (latent transforming growth factor beta binding protein 3; minus strand). Cytogenetic location: 11q13.1.
Variant type: single nucleotide variant.
Coding change: c.1721-7C>G on transcript NM_001130144.3 (MANE Select); 7 bases into the intron before coding-DNA position 1721, C replaced by G.
Molecular consequence: intron variant.
Genome position (GRCh38, 1-based): chr11:65,548,052, G>C on the plus strand (C>G on the coding strand, the complement: LTBP3 is on the minus strand). VCF-style: chr11-65548052-G-C. GRCh37 (hg19) VCF-style: chr11-65315523-G-C.
Other names: c.1370-7C>G (NM_001164266.1); c.1721-7C>G (NM_021070.4).
Identifiers: ClinVar variation 2873349 (VCV002873349.3), dbSNP rs748275183, ClinGen allele CA6100878.
Genomic context (GRCh38, chr11:65,548,052, plus strand): 5'-GCACGCACTCTCCGTGGCCACAGATGTTCTGGTTCAGTCGGCACTCATCAGTCTCTGCGG[G>C]CATGGCCAGGTCAAGCGGCAGAGCAGGGAGCGCTCACCTTCTGCCATATCCCCAGGGCAG-3'

ClinVar aggregate classification (germline): Uncertain significance (1 of 4 stars; one submission).

Conditions:
Brachyolmia-amelogenesis imperfecta syndrome. Also called: PLATYSPONDYLY WITH AMELOGENESIS IMPERFECTA; Tooth agenesis, selective, 6; Dental anomalies and short stature. Identifiers: Orphanet 2899, MedGen C1832594, MONDO:0011018, OMIM 601216. Disease mechanism: loss of function.

Allele frequency attached by ClinVar (database versions not stated): gnomAD exomes below 0.00001; ExAC 0.00001.

Submission:

Labcorp Genetics (formerly Invitae), Labcorp
Classification: Uncertain significance for Brachyolmia-amelogenesis imperfecta syndrome. Last evaluated: 2023-06-06. Review status: criteria provided, single submitter. Criteria: Invitae Variant Classification Sherloc (09022015). Collection method: clinical testing. Allele origin: germline.
Comment: This sequence change falls in intron 11 of the LTBP3 gene. It does not directly change the encoded amino acid sequence of the LTBP3 protein. This variant is present in population databases (rs748275183, gnomAD 0.0009%). This variant has not been reported in the literature in individuals affected with LTBP3-related conditions. Algorithms developed to predict the effect of sequence changes on RNA splicing suggest that this variant may create or strengthen a splice site. In summary, the available evidence is currently insufficient to determine the role of this variant in disease. Therefore, it has been classified as a Variant of Uncertain Significance.